The following is an entry in ClinVar:

ClinVar aggregate classification (germline): Uncertain significance (1 of 4 stars; one submission).

Conditions:
Familial focal epilepsy with variable foci (FPEVF). Identifiers: Orphanet 98820, MedGen C1858477, MONDO:0020310.

Submission:

Labcorp Genetics (formerly Invitae), Labcorp
Classification: Uncertain significance for Familial focal epilepsy with variable foci. Last evaluated: 2021-04-08. Review status: criteria provided, single submitter. Criteria: Invitae Variant Classification Sherloc (09022015). Collection method: clinical testing. Allele origin: germline.
Comment: This sequence change replaces asparagine with serine at codon 417 of the DEPDC5 protein (p.Asn417Ser). The asparagine residue is highly conserved and there is a small physicochemical difference between asparagine and serine. This variant is not present in population databases (ExAC no frequency). In summary, the available evidence is currently insufficient to determine the role of this variant in disease. Therefore, it has been classified as a Variant of Uncertain Significance. Algorithms developed to predict the effect of missense changes on protein structure and function are either unavailable or do not agree on the potential impact of this missense change (SIFT: "Tolerated"; PolyPhen-2: "Not Available"; Align-GVGD: "Class C0"). This variant has not been reported in the literature in individuals with DEPDC5-related conditions.

NM_001242896.3(DEPDC5):c.1250A>G (p.Asn417Ser)

Gene: DEPDC5 (DEP domain containing 5, GATOR1 subcomplex subunit; plus strand). Cytogenetic location: 22q12.3.
Variant type: single nucleotide variant.
Coding change: c.1250A>G on transcript NM_001242896.3 (MANE Select); coding-DNA position 1250, A replaced by G.
Protein change: p.Asn417Ser; replaces asparagine 417 with serine.
Molecular consequence: missense variant. On other transcripts: non-coding transcript variant (5).
Genome position (GRCh38, 1-based): chr22:31,806,154, A>G. VCF-style: chr22-31806154-A-G. GRCh37 (hg19) VCF-style: chr22-32202140-A-G.
Other names: c.1250A>G, p.Asn417Ser (NM_001007188.4, NM_001136029.4, NM_001242897.2 and 7 more transcripts); c.1166A>G, p.Asn389Ser (NM_001369901.1, NM_001369902.1); short protein forms N389S, N417S.
Identifiers: ClinVar variation 1495551 (VCV001495551.8), dbSNP rs2148665599, ClinGen allele CA411276389.